The following is an entry in ClinVar:

ClinVar aggregate classification (germline): Likely benign (0 of 4 stars; one submission).

Conditions:
SLC33A1-related disorder. Also called: SLC33A1-related condition.

Submission:

PreventionGenetics, part of Exact Sciences
Classification: Likely benign for SLC33A1-related condition. Last evaluated: 2024-01-03. Review status: no assertion criteria provided. Collection method: clinical testing. Allele origin: germline.
Comment: This variant is classified as likely benign based on ACMG/AMP sequence variant interpretation guidelines (Richards et al. 2015 PMID: 25741868, with internal and published modifications).

NM_004733.4(SLC33A1):c.354C>G (p.Pro118=)

Gene: SLC33A1 (solute carrier family 33 member 1; minus strand). Cytogenetic location: 3q25.31.
Variant type: single nucleotide variant.
Coding change: c.354C>G on transcript NM_004733.4 (MANE Select); coding-DNA position 354, C replaced by G.
Protein change: p.Pro118=; no amino-acid change (proline 118 retained).
Molecular consequence: synonymous variant.
Genome position (GRCh38, 1-based): chr3:155,853,644, G>C on the plus strand (C>G on the coding strand, the complement: SLC33A1 is on the minus strand). VCF-style: chr3-155853644-G-C. GRCh37 (hg19) VCF-style: chr3-155571433-G-C.
Other names: c.354C>G, p.Pro118= (NM_001190992.2, NM_001363883.1).
Identifiers: ClinVar variation 3047186 (VCV003047186.2), dbSNP rs2108017861, ClinGen allele CA436690830.
Genomic context (GRCh38, chr3:155,853,644, plus strand): 5'-ACCGAAGTTCTTAACGTAGACCGCATCAACCAACGGGGCCCAGAGTAATTTGAGACTGAA[G>C]GGCCAAAAGACAAAACTGAAGAAAGCTTGGTCTGTATAGCTAACATTTTTGCTTTGCAAA-3'
Protein context (NP_004724.1, residues 108-128): DQAFFSFVFW[Pro118=]FSLKLLWAPL